The following is an entry in ClinVar:

ClinVar aggregate classification (germline): Uncertain significance (1 of 4 stars; one submission).

Conditions:
Merosin deficient congenital muscular dystrophy (MDC1A). Also called: Congenital merosin-deficient muscular dystrophy 1A; Congenital Muscular Dystrophy Type 1A (MDC1A). Identifiers: Orphanet 258, MedGen C1263858, MONDO:0011925, OMIM 607855.

Submission:

Juno Genomics, Hangzhou Juno Genomics, Inc
Classification: Uncertain significance for Merosin deficient congenital muscular dystrophy. Review status: criteria provided, single submitter. Criteria: ACMG Guidelines, 2015. Collection method: clinical testing. Allele origin: germline. Affected: yes.
Comment: Absent from controls (or at extremely low frequency if recessive) in Genome Aggregation Database, Exome Sequencing Project, 1000 Genomes Project, or Exome Aggregation Consortium.;Multiple lines of computational evidence support a deleterious effect on the gene or gene product (conservation, evolutionary, splicing impact, etc).;Patient's phenotype or family history is highly specific for a disease with a single genetic etiology.

NM_000426.4(LAMA2):c.629A>T (p.Glu210Val)

Gene: LAMA2 (laminin subunit alpha 2; plus strand). Cytogenetic location: 6q22.33.
Variant type: single nucleotide variant.
Coding change: c.629A>T on transcript NM_000426.4 (MANE Select); coding-DNA position 629, A replaced by T.
Protein change: p.Glu210Val; replaces glutamic acid 210 with valine.
Molecular consequence: missense variant.
Genome position (GRCh38, 1-based): chr6:129,098,405, A>T. VCF-style: chr6-129098405-A-T. GRCh37 (hg19) VCF-style: chr6-129419550-A-T.
Other names: c.629A>T, p.Glu210Val (NM_001079823.2); short protein forms E210V.
Identifiers: ClinVar variation 3383113 (VCV003383113.2).